The following is an entry in ClinVar:

ClinVar aggregate classification (germline): Uncertain significance (1 of 4 stars; one submission).

gnomAD v4.1: 1 of 1,614,154 alleles (0.000062%); highest among the groups gnomAD compares: Non-Finnish European, 0.000085%; no homozygotes.

Submission:

GeneDx
Classification: Uncertain significance. Last evaluated: 2022-07-07. Review status: criteria provided, single submitter. Criteria: GeneDx Variant Classification Process June 2021. Collection method: clinical testing. Allele origin: germline. Affected: yes.
Comment: Not observed at significant frequency in large population cohorts (gnomAD); In silico analysis supports that this missense variant has a deleterious effect on protein structure/function; Has not been previously published as pathogenic or benign to our knowledge

NM_001457.4(FLNB):c.2057A>C (p.Asp686Ala)

Gene: FLNB (filamin B; plus strand). Cytogenetic location: 3p14.3.
Variant type: single nucleotide variant.
Coding change: c.2057A>C on transcript NM_001457.4 (MANE Select); coding-DNA position 2057, A replaced by C.
Protein change: p.Asp686Ala; replaces aspartic acid 686 with alanine.
Molecular consequence: missense variant.
Genome position (GRCh38, 1-based): chr3:58,109,180, A>C. VCF-style: chr3-58109180-A-C. GRCh37 (hg19) VCF-style: chr3-58094907-A-C.
Other names: c.2057A>C, p.Asp686Ala (NM_001164317.2, NM_001164318.2, NM_001164319.2); short protein forms D686A.
Identifiers: ClinVar variation 1810639 (VCV001810639.1), dbSNP rs1023245486, ClinGen allele CA75434342.